The following is an entry in ClinVar:

NM_006015.6(ARID1A):c.6282C>G (p.Cys2094Trp)

Gene: ARID1A (AT-rich interaction domain 1A; plus strand). Cytogenetic location: 1p36.11.
Variant type: single nucleotide variant.
Coding change: c.6282C>G on transcript NM_006015.6 (MANE Select); coding-DNA position 6282, C replaced by G.
Protein change: p.Cys2094Trp; replaces cysteine 2094 with tryptophan.
Molecular consequence: missense variant.
Genome position (GRCh38, 1-based): chr1:26,780,180, C>G. VCF-style: chr1-26780180-C-G. GRCh37 (hg19) VCF-style: chr1-27106671-C-G.
Other names: c.5631C>G, p.Cys1877Trp (NM_139135.4); short protein forms C1877W, C2094W.
Identifiers: ClinVar variation 2579418 (VCV002579418.2), dbSNP rs2081177999, ClinGen allele CA339191384.

ClinVar aggregate classification (germline): Uncertain significance (1 of 4 stars; one submission).

Submission:

GeneDx
Classification: Uncertain significance. Last evaluated: 2025-03-19. Review status: criteria provided, single submitter. Criteria: GeneDx Variant Classification Process June 2021. Collection method: clinical testing. Allele origin: germline. Affected: yes.
Comment: Not observed at significant frequency in large population cohorts (gnomAD); In silico analysis supports that this missense variant has a deleterious effect on protein structure/function; Has not been previously published as pathogenic or benign to our knowledge